The following is an entry in ClinVar:

ClinVar aggregate classification (germline): Uncertain significance (1 of 4 stars; one submission).

Conditions:
Developmental and epileptic encephalopathy, 2 (DEE2). Also called: INFANTILE SPASM SYNDROME, X-LINKED 2; CDKL5 deficiency disorder. Identifiers: Orphanet 1934, Orphanet 3451, Orphanet 505652, MedGen C4750718, MONDO:0010396, OMIM 300672.
Angelman syndrome-like. Identifiers: MedGen CN128785.

Allele frequency attached by ClinVar (database versions not stated): gnomAD 0.00001; TOPMed 0.00002.
gnomAD v4.1: 1 of 1,206,252 alleles (0.000083%); highest among the groups gnomAD compares: Non-Finnish European, 0.00011%; no homozygotes.

Submission:

Labcorp Genetics (formerly Invitae), Labcorp
Classification: Uncertain significance for Developmental and epileptic encephalopathy, 2; Angelman syndrome-like. Last evaluated: 2025-12-05. Review status: criteria provided, single submitter. Criteria: Invitae Variant Classification Sherloc (09022015). Collection method: clinical testing. Allele origin: germline.
Comment: This sequence change replaces glutamine, which is neutral and polar, with histidine, which is basic and polar, at codon 830 of the CDKL5 protein (p.Gln830His). This variant is not present in population databases (gnomAD no frequency). This variant has not been reported in the literature in individuals affected with CDKL5-related conditions. ClinVar contains an entry for this variant (Variation ID: 464814). Invitae Evidence Modeling of protein sequence and biophysical properties (such as structural, functional, and spatial information, amino acid conservation, physicochemical variation, residue mobility, and thermodynamic stability) indicates that this missense variant is not expected to disrupt CDKL5 protein function with a negative predictive value of 95%. In summary, the available evidence is currently insufficient to determine the role of this variant in disease. Therefore, it has been classified as a Variant of Uncertain Significance.

NM_001323289.2(CDKL5):c.2490G>C (p.Gln830His)

Gene: CDKL5 (cyclin dependent kinase like 5; plus strand). Cytogenetic location: Xp22.13.
Variant type: single nucleotide variant.
Coding change: c.2490G>C on transcript NM_001323289.2 (MANE Select); coding-DNA position 2490, G replaced by C.
Protein change: p.Gln830His; replaces glutamine 830 with histidine.
Molecular consequence: missense variant.
Genome position (GRCh38, 1-based): chrX:18,625,241, G>C. VCF-style: chrX-18625241-G-C. GRCh37 (hg19) VCF-style: chrX-18643361-G-C.
Other names: c.2490G>C, p.Gln830His (NM_001037343.2, NM_003159.3); short protein forms Q830H.
Identifiers: ClinVar variation 464814 (VCV000464814.10), dbSNP rs1485485459, ClinGen allele CA412365805.